The following is an entry in ClinVar:

NM_006231.4(POLE):c.4666C>T (p.Arg1556Trp)

Gene: POLE (DNA polymerase epsilon, catalytic subunit; minus strand). Cytogenetic location: 12q24.33.
Variant type: single nucleotide variant.
Coding change: c.4666C>T on transcript NM_006231.4 (MANE Select); coding-DNA position 4666, C replaced by T.
Protein change: p.Arg1556Trp; replaces arginine 1556 with tryptophan.
Molecular consequence: missense variant.
Genome position (GRCh38, 1-based): chr12:132,642,882, G>A on the plus strand (C>T on the coding strand, the complement: POLE is on the minus strand). VCF-style: chr12-132642882-G-A. GRCh37 (hg19) VCF-style: chr12-133219468-G-A.
Other names: c.4666C>T (NM_006231.2); short protein forms R1556W.
Identifiers: ClinVar variation 473683 (VCV000473683.10), dbSNP rs768741587, ClinGen allele CA6892749.
Genomic context (GRCh38, chr12:132,642,882, plus strand): 5'-TGTAGGCGAGCAGGAATCGCTGGATGGCTCTGCAGATGGTCTTCAGGTCAGTTTCTGCCC[G>A]AACTTCGAAGGTGTGTTTGGGGGGTGGCAGGAGCTCAGGGCCCACCTTCTCCAGGAGGAG-3'
Protein context (NP_006222.2, residues 1546-1566): LPPPKHTFEV[Arg1556Trp]AETDLKTICR

ClinVar aggregate classification (germline): Uncertain significance. Review status: criteria provided, multiple submitters, no conflicts (2 of 4 stars). 2 submissions from 2 submitters: Uncertain significance (2). Last evaluated 2025-11-20.

Conditions:
Hereditary cancer-predisposing syndrome. Also called: Neoplastic Syndromes, Hereditary; Tumor predisposition; Hereditary Cancer Syndrome; Hereditary neoplastic syndrome. Identifiers: Orphanet 140162, MedGen C0027672, MeSH D009386, MONDO:0015356.

gnomAD v4.1: 8 of 1,613,722 alleles (0.0005%); highest among the groups gnomAD compares: South Asian, 0.0044%; no homozygotes.

Submissions (2):

Labcorp Genetics (formerly Invitae), Labcorp
Classification: Uncertain significance. Last evaluated: 2025-11-20. Review status: criteria provided, single submitter. Criteria: Invitae Variant Classification Sherloc (09022015). Collection method: clinical testing. Allele origin: germline.
Comment: This sequence change replaces arginine, which is basic and polar, with tryptophan, which is neutral and slightly polar, at codon 1556 of the POLE protein (p.Arg1556Trp). This variant is present in population databases (rs768741587, gnomAD 0.0009%). This variant has not been reported in the literature in individuals affected with POLE-related conditions. ClinVar contains an entry for this variant (Variation ID: 473683). Invitae Evidence Modeling of protein sequence and biophysical properties (such as structural, functional, and spatial information, amino acid conservation, physicochemical variation, residue mobility, and thermodynamic stability) indicates that this missense variant is not expected to disrupt POLE protein function with a negative predictive value of 80%. In summary, the available evidence is currently insufficient to determine the role of this variant in disease. Therefore, it has been classified as a Variant of Uncertain Significance.

Ambry Genetics
Classification: Uncertain significance for Hereditary cancer-predisposing syndrome. Last evaluated: 2024-12-17. Review status: criteria provided, single submitter. Criteria: Ambry Variant Classification Scheme 2023. Collection method: clinical testing. Allele origin: germline.
Comment: The p.R1556W variant (also known as c.4666C>T), located in coding exon 36 of the POLE gene, results from a C to T substitution at nucleotide position 4666. The arginine at codon 1556 is replaced by tryptophan, an amino acid with dissimilar properties. This amino acid position is highly conserved in available vertebrate species. In addition, the in silico prediction for this alteration is inconclusive. Based on the available evidence, the clinical significance of this variant remains unclear.